The following is an entry in ClinVar:

ClinVar aggregate classification (germline): Pathogenic. Review status: reviewed by expert panel (3 of 4 stars). 13 submissions from 13 submitters: Pathogenic (1). 12 of the submissions do not count toward it. Last evaluated 2016-09-08.

Conditions:
Hereditary cancer-predisposing syndrome. Also called: Tumor predisposition; Neoplastic Syndromes, Hereditary; Hereditary neoplastic syndrome; Hereditary Cancer Syndrome. Identifiers: Orphanet 140162, MedGen C0027672, MeSH D009386, MONDO:0015356.
Breast neoplasm. Also called: Breast Neoplasms; Neoplasm of breast; Breast tumor; Neoplasm of the breast. Identifiers: MedGen C1458155, MeSH D001943, MONDO:0021100, HP:0100013. Disease mechanism: gain of function.
Hereditary breast ovarian cancer syndrome. Also called: Hereditary breast and ovarian cancer; Hereditary breast and ovarian cancer syndrome (HBOC); Hereditary breast and/or ovarian cancer syndrome; Breast and ovarian cancer; Hereditary breast and ovarian cancer syndrome; BRCA1- and BRCA2-Associated Hereditary Breast and Ovarian Cancer. Identifiers: Orphanet 145, MedGen C0677776, MeSH D061325, MONDO:0003582. Disease mechanism: loss of function.
Breast-ovarian cancer, familial, susceptibility to, 2 (BROVCA2). Also called: BRCA2 Hereditary Breast and Ovarian Cancer. Identifiers: Orphanet 145, MedGen C2675520, MONDO:0012933, OMIM 612555. Disease mechanism: loss of function.

Submissions (13):

Evidence-based Network for the Interpretation of Germline Mutant Alleles (ENIGMA)
Classification: Pathogenic for Breast-ovarian cancer, familial, susceptibility to, 2. Last evaluated: 2016-09-08. Review status: reviewed by expert panel. Criteria: ENIGMA BRCA1/2 Classification Criteria (2015). Collection method: curation. Allele origin: germline.
Comment: Variant allele predicted to encode a truncated non-functional protein.

Labcorp Genetics (formerly Invitae), Labcorp
Classification: Pathogenic for Hereditary breast ovarian cancer syndrome. Last evaluated: 2025-12-30. Review status: criteria provided, single submitter. Criteria: Invitae Variant Classification Sherloc (09022015). Collection method: clinical testing. Allele origin: germline. Not counted in ClinVar's aggregate classification.
Comment: This sequence change creates a premature translational stop signal (p.Gln92*) in the BRCA2 gene. It is expected to result in an absent or disrupted protein product. Loss-of-function variants in BRCA2 are known to be pathogenic (PMID: 20104584). This variant is not present in population databases (gnomAD no frequency). This variant has not been reported in the literature in individuals affected with BRCA2-related conditions. ClinVar contains an entry for this variant (Variation ID: 37799). RNA analysis performed to evaluate the impact of this premature translational stop signal on mRNA splicing indicates it does not significantly alter splicing (internal data). For these reasons, this variant has been classified as Pathogenic.

GeneDx
Classification: Pathogenic. Last evaluated: 2024-01-04. Review status: criteria provided, single submitter. Criteria: GeneDx Variant Classification Process June 2021. Collection method: clinical testing. Allele origin: germline. Affected: yes. Not counted in ClinVar's aggregate classification.
Comment: Nonsense variant predicted to result in protein truncation or nonsense mediated decay in a gene for which loss-of-function is a known mechanism of disease; Truncating variants in this gene are considered pathogenic by a well-established clinical consortium and/or database; Not observed at significant frequency in large population cohorts (gnomAD); Also known as 502C>T; This variant is associated with the following publications: (PMID: 27257965, 26843898, 32377563, 31825140, 31853058, 20104584, 25948282, 30287823)

ARUP Laboratories, Molecular Genetics and Genomics, ARUP Laboratories
Classification: Pathogenic. Last evaluated: 2023-11-10. Review status: criteria provided, single submitter. Criteria: ARUP Molecular Germline Variant Investigation Process 2024. Collection method: clinical testing. Allele origin: germline. Not counted in ClinVar's aggregate classification.
Comment: The BRCA2 c.274C>T; p.Gln92Ter variant (rs80358529) is reported in the literature in individuals affected with or a family history of breast and/or ovarian cancer (Kluska 2015, Perez-Ibave 2023). This variant is reported in ClinVar (Variation ID: 37799). The p.Gln92Ter variant is absent from the Genome Aggregation Database, indicating it is not a common polymorphism. This variant induces an early termination codon and is predicted to result in a truncated protein or mRNA subject to nonsense-mediated decay. Based on available information, this variant is considered to be pathogenic. References: Kluska A et al. New recurrent BRCA1/2 mutations in Polish patients with familial breast/ovarian cancer detected by next generation sequencing. BMC Med Genomics. 2015 May 7;8:19. PMID: 25948282. Perez-Ibave DC et al. Identification of Germline Variants in Patients with Hereditary Cancer Syndromes in Northeast Mexico. Genes (Basel). 2023 Jan 28;14(2):341. PMID: 36833268.

Ambry Genetics
Classification: Pathogenic for Hereditary cancer-predisposing syndrome. Last evaluated: 2023-02-13. Review status: criteria provided, single submitter. Criteria: Ambry Variant Classification Scheme 2023. Collection method: clinical testing. Allele origin: germline. Not counted in ClinVar's aggregate classification.
Comment: The p.Q92* pathogenic mutation (also known as c.274C>T), located in coding exon 2 of the BRCA2 gene, results from a C to T substitution at nucleotide position 274. This changes the amino acid from a glutamine to a stop codon within coding exon 2. In addition to the clinical data presented in the literature, this alteration is expected to result in loss of function by premature protein truncation or nonsense-mediated mRNA decay. As such, this alteration is interpreted as a disease-causing mutation.

Quest Diagnostics Nichols Institute San Juan Capistrano
Classification: Pathogenic. Last evaluated: 2023-02-07. Review status: criteria provided, single submitter. Criteria: Quest Diagnostics criteria. Collection method: clinical testing. Allele origin: unknown. Not counted in ClinVar's aggregate classification.
Comment: This nonsense variant causes the premature termination of BRCA2 protein synthesis. This variant has not been reported in large, multi-ethnic general populations. In the published literature, the variant has been reported in individuals with breast cancer (PMIDs: 30287823 (2018), 26843898 (2016), 25948282 (2015)). Based on the available information, this variant is classified as pathogenic.

Women's Health and Genetics/Laboratory Corporation of America, LabCorp
Classification: Pathogenic for Hereditary breast ovarian cancer syndrome. Last evaluated: 2021-04-05. Review status: criteria provided, single submitter. Criteria: LabCorp Variant Classification Summary - May 2015. Collection method: clinical testing. Allele origin: germline. Not counted in ClinVar's aggregate classification.
Comment: Variant summary: BRCA2 c.274C>T (p.Gln92X) results in a premature termination codon, predicted to cause a truncation of the encoded protein or absence of the protein due to nonsense mediated decay, which are commonly known mechanisms for disease. Truncations downstream of this position have been classified as pathogenic by our laboratory. The variant was absent in 251214 control chromosomes. c.274C>T has been reported in the literature in individuals affected with Hereditary Breast And Ovarian Cancer Syndrome (example, Kluska_2015, Wojcik_2016, Zhang_2016). To our knowledge, no experimental evidence demonstrating an impact on protein function has been reported. Four clinical diagnostic laboratories and an expert panel (ENIGMA) have submitted clinical-significance assessments for this variant to ClinVar after 2014. Some submitters cite overlapping evidence utilized in the context of this evaluation. All submitters classified the variant as pathogenic in the germline and somatic settings. Based on the evidence outlined above, the variant was classified as pathogenic.

Color Diagnostics, LLC DBA Color Health
Classification: Pathogenic for Hereditary cancer-predisposing syndrome. Last evaluated: 2020-01-15. Review status: criteria provided, single submitter. Criteria: ACMG Guidelines, 2015. Collection method: clinical testing. Allele origin: germline. Not counted in ClinVar's aggregate classification.
Comment: This variant changes 1 nucleotide in exon 3 of the BRCA2 gene, creating a premature translation stop signal. This variant is expected to result in an absent or non-functional protein product. This variant has not been identified in the general population by the Genome Aggregation Database (gnomAD). Loss of BRCA2 function is a known mechanism of disease. Based on the available evidence, this variant is classified as Pathogenic.

Laboratory of Molecular Diagnosis of Cancer, West China Hospital, Sichuan University
Classification: Pathogenic for Breast neoplasm. Last evaluated: 2015-11-01. Review status: criteria provided, single submitter. Criteria: ACMG Guidelines, 2015. Collection method: research. Allele origin: somatic. Affected: yes. Observed: 1 variant allele. Not counted in ClinVar's aggregate classification.

Department of Pathology and Laboratory Medicine, Sinai Health System
Classification: Pathogenic for Hereditary breast ovarian cancer syndrome. Review status: criteria provided, single submitter. Criteria: ACMG Guidelines, 2015. Collection method: clinical testing. Allele origin: germline. Affected: yes. Study: The Canadian Open Genetics Repository (COGR). Not counted in ClinVar's aggregate classification.

Research Molecular Genetics Laboratory, Women's College Hospital, University of Toronto
Classification: Pathogenic for Hereditary breast ovarian cancer syndrome. Last evaluated: 2014-01-31. Review status: no assertion criteria provided. Collection method: research. Allele origin: germline. Affected: yes. Study: The Canadian Open Genetics Repository (COGR). Not counted in ClinVar's aggregate classification.

Sharing Clinical Reports Project (SCRP)
Classification: Pathogenic for Breast-ovarian cancer, familial 2. Last evaluated: 2012-04-16. Review status: no assertion criteria provided. Collection method: clinical testing. Allele origin: germline. Not counted in ClinVar's aggregate classification.

Breast Cancer Information Core (BIC) (BRCA2)
Classification: Pathogenic for Breast-ovarian cancer, familial 2. Last evaluated: 2004-02-20. Review status: no assertion criteria provided. Collection method: clinical testing. Allele origin: germline. Affected: yes. Observed: 2 variant alleles. Not counted in ClinVar's aggregate classification.

Literature cited by the submitters: PubMed 20104584 (cited by Labcorp Genetics (formerly Invitae), Labcorp); PubMed 25948282 (cited by 3 submitters); PubMed 30287823 (cited by Quest Diagnostics Nichols Institute San Juan Capistrano); PubMed 27257965 (cited by 3 submitters); PubMed 26843898 (cited by Quest Diagnostics Nichols Institute San Juan Capistrano and Women's Health and Genetics/Laboratory Corporation of America, LabCorp).

NM_000059.4(BRCA2):c.274C>T (p.Gln92Ter)

Gene: BRCA2 (BRCA2 DNA repair associated; plus strand). Cytogenetic location: 13q13.1.
Variant type: single nucleotide variant.
Coding change: c.274C>T on transcript NM_000059.4 (MANE Select); coding-DNA position 274, C replaced by T.
Protein change: p.Gln92Ter; replaces glutamine 92 with a stop codon.
Molecular consequence: nonsense.
Genome position (GRCh38, 1-based): chr13:32,319,283, C>T. VCF-style: chr13-32319283-C-T. GRCh37 (hg19) VCF-style: chr13-32893420-C-T.
Other names: p.Q92*:CAA>TAA; 502C>T; short protein forms Q92*.
Identifiers: ClinVar variation 37799 (VCV000037799.26), dbSNP rs80358529, ClinGen allele CA016251.
Genomic context (GRCh38, chr13:32,319,283, plus strand): 5'-AATCAGCTGGCTTCAACTCCAATAATATTCAAAGAGCAAGGGCTGACTCTGCCGCTGTAC[C>T]AATCTCCTGTAAAAGAATTAGATAAATTCAAATTAGACTTAGGTAAGTAATGCAATATGG-3'